The following is an entry in ClinVar:

ClinVar aggregate classification (germline): Pathogenic/Likely pathogenic. Review status: criteria provided, multiple submitters, no conflicts (2 of 4 stars). 3 submissions from 3 submitters: Pathogenic (2); Likely pathogenic (1). Last evaluated 2025-11-04.

Conditions:
alpha Thalassemia. Also called: Alpha thalassemia spectrum. Identifiers: Orphanet 846, MedGen C0002312, MONDO:0011399, OMIM 604131.

Submissions (3):

Natera, Inc.
Classification: Likely pathogenic for Alpha thalassemia. Last evaluated: 2025-11-04. Review status: criteria provided, single submitter. Criteria: Natera Variant Classification Schema (03/2026). Collection method: clinical testing. Allele origin: germline.
Comment: The c.345delC variant in HBA2 is a frameshift variant predicted to shift the reading frame beginning at codon 116 and leads to a stop codon 18 codons downstream. This variant is expected to result in nonsense mediated decay, truncation, or a dysfunctional protein product. This variant is rare in the general population with a frequency below the threshold expected for the associated phenotype(s). Given the available evidence, this variant is classified as Likely Pathogenic.

ARUP Laboratories, Molecular Genetics and Genomics, ARUP Laboratories
Classification: Pathogenic. Last evaluated: 2025-07-16. Review status: criteria provided, single submitter. Criteria: ARUP Molecular Germline Variant Investigation Process 2024. Collection method: clinical testing. Allele origin: germline.
Comment: The HBA2 c.345del; p.Ala116ProfsTer18 variant (rs746988006, HbVar ID: 3055) is reported heterozygous in the literature in multiple individuals affected with microcytosis and mild erythrocytosis (see HbVar and references therein, Eng 2006, Grimholt 2021). This variant is reported in ClinVar (Variation ID: 439116) and is only observed on two alleles in the Genome Aggregation Database, indicating it is not a common polymorphism. This variant results in a premature termination codon in the last exon of the HBA2 gene. While this may not lead to nonsense-mediated decay, it is expected to create a truncated protein that would include a sequence of 18 amino acid residues not usually present. Based on available information, this variant is considered to be pathogenic. References: Link to HbVar database: Eng B et al. Three new alpha-thalassemia point mutations ascertained through newborn screening. Hemoglobin. 2006;30(2):149-53. PMID: 16798638.

Quest Diagnostics Nichols Institute San Juan Capistrano
Classification: Pathogenic. Last evaluated: 2021-04-30. Review status: criteria provided, single submitter. Criteria: Quest Diagnostics criteria. Collection method: clinical testing. Allele origin: unknown.
Comment: The frameshift variant causes the premature termination of HBA2 protein synthesis, and is associated with alpha thalassemia and has been identified in a newborn who also carried the -alpha3.7 deletion variant (PMID: 16798638 (2006), PMID: 20507641 (2010) and PMID: 24672827 (2013)). Therefore, the variant is classified as pathogenic.

Literature cited by the submitters: PubMed 16798638 (cited by Quest Diagnostics Nichols Institute San Juan Capistrano); PubMed 20507641 (cited by Quest Diagnostics Nichols Institute San Juan Capistrano); PubMed 24672827 (cited by Quest Diagnostics Nichols Institute San Juan Capistrano).

NM_000517.6(HBA2):c.345del (p.Ala116fs)

Genes: HBA2 (hemoglobin subunit alpha 2; plus strand), LOC106804612 (hemoglobin subunit alpha 2 recombination region; plus strand). Cytogenetic location: 16p13.3.
Variant type: Deletion.
Coding change: c.345del on transcript NM_000517.6 (MANE Select); coding-DNA position 345, one base deleted (C; older notation c.345delC).
Protein change: p.Ala116fs; shifts the reading frame from alanine 116.
Molecular consequence: frameshift variant.
Genome position (GRCh38, 1-based): chr16:173,516, C deleted; the last of 4 consecutive C bases (chr16:173,513-173,516); deleting any one gives the same sequence. VCF-style (leftmost placement, unchanged base first): chr16-173512-TC-T. GRCh37 (hg19) VCF-style: chr16-223511-TC-T.
Other names: c.345delC (NM_000517.5); short protein forms A116fs.
Identifiers: ClinVar variation 439116 (VCV000439116.9), dbSNP rs746988006, ClinGen allele CA7770179.